The following is an entry in ClinVar:

ClinVar aggregate classification (germline): Likely pathogenic (1 of 4 stars; one submission).

Submission:

Dasa
Classification: Likely pathogenic. Last evaluated: 2025-07-19. Review status: criteria provided, single submitter. Criteria: DASA Assertion Criteria. Collection method: clinical testing. Allele origin: germline.
Comment: NM_032444.4(SLX4):c.5033del (p.Pro1678Glnfs*37) is a frameshift variant in SLX4 predicted to alter the reading frame and introduce a premature termination codon and is predicted to result in an absent or altered protein product. Loss of function is an established disease mechanism for SLX4-associated disorders. Published studies describe this variant in association with related phenotype (PMID: 19596235; PMID: 19596236). Also, this variant is absent from population databases. Based on the currently available evidence, this variant is classified as likely pathogenic.

Literature cited by the submitters: PubMed 19596235; PubMed 19596236.

NM_032444.4(SLX4):c.5033del (p.Pro1678fs)

Gene: SLX4 (SLX4 structure-specific endonuclease subunit; minus strand). Cytogenetic location: 16p13.3.
Variant type: Deletion.
Coding change: c.5033del on transcript NM_032444.4 (MANE Select); coding-DNA position 5033, one base deleted (C; older notation c.5033delC).
Protein change: p.Pro1678fs; shifts the reading frame from proline 1678.
Molecular consequence: frameshift variant.
Genome position (GRCh38, 1-based): chr16:3,583,217, G deleted on the plus strand (C on the coding strand, the reverse complement: SLX4 is on the minus strand); the first of 5 consecutive G bases (chr16:3,583,217-3,583,221); deleting any one gives the same sequence. VCF-style (leftmost placement, unchanged base first): chr16-3583216-TG-T. GRCh37 (hg19) VCF-style: chr16-3633217-TG-T.
Other names: short protein forms P1678fs.
Identifiers: ClinVar variation 4886505 (VCV004886505.2).